The following is an entry in ClinVar:

ClinVar aggregate classification (germline): Uncertain significance. Review status: criteria provided, single submitter (1 of 4 stars). 2 submissions from 2 submitters: Uncertain significance (1). 1 of the submissions does not count toward it. Last evaluated 2024-12-06.

Conditions:
NOTCH1-related disorder. Also called: NOTCH1-related condition; NOTCH1-related disorders.
Adams-Oliver syndrome 5 (AOS5). Identifiers: Orphanet 974, MedGen C4014970, MONDO:0014459, OMIM 616028.

gnomAD v4.1: 2 of 1,612,070 alleles (0.00012%); highest among the groups gnomAD compares: East Asian, 0.0022%; no homozygotes.

Submissions (2):

Labcorp Genetics (formerly Invitae), Labcorp
Classification: Uncertain significance for Adams-Oliver syndrome 5. Last evaluated: 2024-12-06. Review status: criteria provided, single submitter. Criteria: Invitae Variant Classification Sherloc (09022015). Collection method: clinical testing. Allele origin: germline.
Comment: This sequence change replaces proline, which is neutral and non-polar, with serine, which is neutral and polar, at codon 1417 of the NOTCH1 protein (p.Pro1417Ser). This variant is not present in population databases (gnomAD no frequency). This variant has not been reported in the literature in individuals affected with NOTCH1-related conditions. ClinVar contains an entry for this variant (Variation ID: 3045983). Invitae Evidence Modeling of protein sequence and biophysical properties (such as structural, functional, and spatial information, amino acid conservation, physicochemical variation, residue mobility, and thermodynamic stability) indicates that this missense variant is not expected to disrupt NOTCH1 protein function with a negative predictive value of 80%. In summary, the available evidence is currently insufficient to determine the role of this variant in disease. Therefore, it has been classified as a Variant of Uncertain Significance.

PreventionGenetics, part of Exact Sciences
Classification: Uncertain significance for NOTCH1-related condition. Last evaluated: 2023-10-30. Review status: no assertion criteria provided. Collection method: clinical testing. Allele origin: germline. Not counted in ClinVar's aggregate classification.
Comment: The NOTCH1 c.4249C>T variant is predicted to result in the amino acid substitution p.Pro1417Ser. To our knowledge, this variant has not been reported in the literature or in a large population database, indicating this variant is rare. At this time, the clinical significance of this variant is uncertain due to the absence of conclusive functional and genetic evidence.

NM_017617.5(NOTCH1):c.4249C>T (p.Pro1417Ser)

Gene: NOTCH1 (notch receptor 1; minus strand). Cytogenetic location: 9q34.3.
Variant type: single nucleotide variant.
Coding change: c.4249C>T on transcript NM_017617.5 (MANE Select); coding-DNA position 4249, C replaced by T.
Protein change: p.Pro1417Ser; replaces proline 1417 with serine.
Molecular consequence: missense variant.
Genome position (GRCh38, 1-based): chr9:136,505,647, G>A on the plus strand (C>T on the coding strand, the complement: NOTCH1 is on the minus strand). VCF-style: chr9-136505647-G-A. GRCh37 (hg19) VCF-style: chr9-139400099-G-A.
Other names: short protein forms P1417S.
Identifiers: ClinVar variation 3045983 (VCV003045983.4), dbSNP rs1481418937, ClinGen allele CA375648732.
Genomic context (GRCh38, chr9:136,505,647, plus strand): 5'-CGGCCCCACCCCCGAAGCTGTAGTCCAGGATGTGGCACAAGAGCCCGTTGAATTTGGCGG[G>A]GCACAGGCAACGGTAGAAGGGGCTCTCGGATGTGGGCTCACAGGTCCCCTGGTTGTAGCA-3'
Protein context (NP_060087.3, residues 1407-1427): SESPFYRCLC[Pro1417Ser]AKFNGLLCHI